The following is an entry in ClinVar:

NM_199242.3(UNC13D):c.1189G>A (p.Ala397Thr)

Gene: UNC13D (unc-13 homolog D; minus strand). Cytogenetic location: 17q25.1.
Variant type: single nucleotide variant.
Coding change: c.1189G>A on transcript NM_199242.3 (MANE Select); coding-DNA position 1189, G replaced by A.
Protein change: p.Ala397Thr; replaces alanine 397 with threonine.
Molecular consequence: missense variant.
Genome position (GRCh38, 1-based): chr17:75,836,681, C>T on the plus strand (G>A on the coding strand, the complement: UNC13D is on the minus strand). VCF-style: chr17-75836681-C-T. GRCh37 (hg19) VCF-style: chr17-73832762-C-T.
Other names: short protein forms A397T.
Identifiers: ClinVar variation 858949 (VCV000858949.8), dbSNP rs769602840, ClinGen allele CA8773087.

ClinVar aggregate classification (germline): Uncertain significance. Review status: criteria provided, multiple submitters, no conflicts (2 of 4 stars). 2 submissions from 2 submitters: Uncertain significance (2). Last evaluated 2024-03-21.

Conditions:
Familial hemophagocytic lymphohistiocytosis 3 (FHL3). Also called: UNC13D-Related Familial Hemophagocytic Lymphohistiocytosis (UNC13D-fHLH). Identifiers: Orphanet 540, MedGen C1837174, MONDO:0012146, OMIM 608898.

Allele frequency attached by ClinVar (database versions not stated): gnomAD 0.00001; gnomAD exomes 0.00002 and 0.00006; TOPMed 0.00005; ExAC 0.00008.
gnomAD v4.1: 36 of 1,613,646 alleles (0.0022%); highest among the groups gnomAD compares: Middle Eastern, 0.017%; no homozygotes.

Submissions (2):

GeneDx
Classification: Uncertain significance. Last evaluated: 2024-03-21. Review status: criteria provided, single submitter. Criteria: GeneDx Variant Classification Process June 2021. Collection method: clinical testing. Allele origin: germline. Affected: yes.
Comment: Identified in the heterozygous state in an individual with hemophagocytic lymphohistiocytosis (PMID: 33849134); Identified in trans with a second UNC13D variant of uncertain significance in an individual from a cohort of non-immunosuppressed patients with Epstein-Barr virus T/NK-cell lymphoproliferative disease (PMID: 34170459); In silico analysis supports that this missense variant does not alter protein structure/function; This variant is associated with the following publications: (PMID: 34185399, 34170459, 33849134)

Labcorp Genetics (formerly Invitae), Labcorp
Classification: Uncertain significance for Familial hemophagocytic lymphohistiocytosis 3. Last evaluated: 2022-11-01. Review status: criteria provided, single submitter. Criteria: Invitae Variant Classification Sherloc (09022015). Collection method: clinical testing. Allele origin: germline.
Comment: This sequence change replaces alanine, which is neutral and non-polar, with threonine, which is neutral and polar, at codon 397 of the UNC13D protein (p.Ala397Thr). This variant is present in population databases (rs769602840, gnomAD 0.02%). This variant has not been reported in the literature in individuals affected with UNC13D-related conditions. ClinVar contains an entry for this variant (Variation ID: 858949). Advanced modeling of protein sequence and biophysical properties (such as structural, functional, and spatial information, amino acid conservation, physicochemical variation, residue mobility, and thermodynamic stability) performed at Invitae indicates that this missense variant is not expected to disrupt UNC13D protein function. In summary, the available evidence is currently insufficient to determine the role of this variant in disease. Therefore, it has been classified as a Variant of Uncertain Significance.